The following is an entry in ClinVar:

NM_001077268.2(ZFYVE19):c.1174C>T (p.Arg392Ter)

Gene: ZFYVE19 (zinc finger FYVE-type containing 19; plus strand). Cytogenetic location: 15q15.1.
Variant type: single nucleotide variant.
Coding change: c.1174C>T on transcript NM_001077268.2 (MANE Select); coding-DNA position 1174, C replaced by T.
Protein change: p.Arg392Ter; replaces arginine 392 with a stop codon.
Molecular consequence: nonsense.
Genome position (GRCh38, 1-based): chr15:40,813,776, C>T. VCF-style: chr15-40813776-C-T. GRCh37 (hg19) VCF-style: chr15-41105974-C-T.
Other names: c.970C>T, p.Arg324Ter (NM_001258420.2); c.649C>T, p.Arg217Ter (NM_001258421.2); c.1144C>T, p.Arg382Ter (NM_032850.5); short protein forms R217*, R324*, R382*, R392*.
Identifiers: ClinVar variation 3036314 (VCV003036314.2), dbSNP rs779395187, ClinGen allele CA7485899.
Genomic context (GRCh38, chr15:40,813,776, plus strand): 5'-ACTGAAGAAGCTTCCCTGGATGAGGCAAGTGGCTTTAACATCCCTGCAGAGCAGGCTTCT[C>T]GACCCTGGACGCAACCCCGCGGGGCAGAGCCTGAGGTGAGAAAAGCCCCAGATGCAGACC-3'

ClinVar aggregate classification (germline): Likely pathogenic (0 of 4 stars; one submission).

Conditions:
ZFYVE19-related disorder. Also called: ZFYVE19-related condition.

Allele frequency attached by ClinVar (database versions not stated): ExAC 0.00001; gnomAD 0.00001; TOPMed 0.00001; gnomAD exomes 0.00002.

Submission:

PreventionGenetics, part of Exact Sciences
Classification: Likely pathogenic for ZFYVE19-related condition. Last evaluated: 2023-10-19. Review status: no assertion criteria provided. Collection method: clinical testing. Allele origin: germline.
Comment: The ZFYVE19 c.1174C>T variant is predicted to result in premature protein termination (p.Arg392*). To our knowledge, this variant has not been reported in the literature. This variant is reported in 0.0018% of alleles in individuals of European (Non-Finnish) descent in gnomAD. Nonsense variants in ZFYVE19 are expected to be pathogenic. This variant is interpreted as likely pathogenic.